The following is an entry in ClinVar:

NM_000059.4(BRCA2):c.5002G>A (p.Ala1668Thr)

Gene: BRCA2 (BRCA2 DNA repair associated; plus strand). Cytogenetic location: 13q13.1.
Variant type: single nucleotide variant.
Coding change: c.5002G>A on transcript NM_000059.4 (MANE Select); coding-DNA position 5002, G replaced by A.
Protein change: p.Ala1668Thr; replaces alanine 1668 with threonine.
Molecular consequence: missense variant.
Genome position (GRCh38, 1-based): chr13:32,339,357, G>A. VCF-style: chr13-32339357-G-A. GRCh37 (hg19) VCF-style: chr13-32913494-G-A.
Other names: short protein forms A1668T.
Identifiers: ClinVar variation 142019 (VCV000142019.17), dbSNP rs587782182, ClinGen allele CA021125.
Genomic context (GRCh38, chr13:32,339,357, plus strand): 5'-GCAAAAAGTCCTGCAACTTGTTACACAAATCAGTCCCCTTATTCAGTCATTGAAAATTCA[G>A]CCTTAGCTTTTTACACAAGTTGTAGTAGAAAAACTTCTGTGAGTCAGACTTCATTACTTG-3'
Protein context (NP_000050.3, residues 1658-1678): QSPYSVIENS[Ala1668Thr]LAFYTSCSRK

ClinVar aggregate classification (germline): Conflicting classifications of pathogenicity. Review status: criteria provided, conflicting classifications (1 of 4 stars). 4 submissions from 4 submitters: Uncertain significance (3); Likely benign (1). Last evaluated 2025-11-12.

Conditions:
Hereditary cancer-predisposing syndrome. Also called: Neoplastic Syndromes, Hereditary; Tumor predisposition; Hereditary Cancer Syndrome; Hereditary neoplastic syndrome. Identifiers: Orphanet 140162, MedGen C0027672, MeSH D009386, MONDO:0015356.
Hereditary breast ovarian cancer syndrome. Also called: Breast and ovarian cancer; Hereditary breast and ovarian cancer; Hereditary breast and/or ovarian cancer syndrome; BRCA1- and BRCA2-Associated Hereditary Breast and Ovarian Cancer; Hereditary breast and ovarian cancer syndrome; Hereditary breast and ovarian cancer syndrome (HBOC). Identifiers: Orphanet 145, MedGen C0677776, MeSH D061325, MONDO:0003582. Disease mechanism: loss of function.

Allele frequency attached by ClinVar (database versions not stated): gnomAD 0.00003.
gnomAD v4.1: 1 of 1,590,682 alleles (0.000063%); highest among the groups gnomAD compares: African/African-American, 0.0014%; no homozygotes.

Submissions (4):

Labcorp Genetics (formerly Invitae), Labcorp
Classification: Uncertain significance for Hereditary breast ovarian cancer syndrome. Last evaluated: 2025-11-12. Review status: criteria provided, single submitter. Criteria: Invitae Variant Classification Sherloc (09022015). Collection method: clinical testing. Allele origin: germline.
Comment: This sequence change replaces alanine, which is neutral and non-polar, with threonine, which is neutral and polar, at codon 1668 of the BRCA2 protein (p.Ala1668Thr). This variant is present in population databases (rs587782182, gnomAD 0.007%). This variant has not been reported in the literature in individuals affected with BRCA2-related conditions. ClinVar contains an entry for this variant (Variation ID: 142019). Invitae Evidence Modeling of protein sequence and biophysical properties (such as structural, functional, and spatial information, amino acid conservation, physicochemical variation, residue mobility, and thermodynamic stability) indicates that this missense variant is not expected to disrupt BRCA2 protein function with a negative predictive value of 95%. In summary, the available evidence is currently insufficient to determine the role of this variant in disease. Therefore, it has been classified as a Variant of Uncertain Significance.

Ambry Genetics
Classification: Uncertain significance for Hereditary cancer-predisposing syndrome. Last evaluated: 2024-12-25. Review status: criteria provided, single submitter. Criteria: Ambry Variant Classification Scheme 2023. Collection method: clinical testing. Allele origin: germline.
Comment: The p.A1668T variant (also known as c.5002G>A), located in coding exon 10 of the BRCA2 gene, results from a G to A substitution at nucleotide position 5002. The alanine at codon 1668 is replaced by threonine, an amino acid with similar properties. This amino acid position is poorly conserved in available vertebrate species. In addition, the in silico prediction for this alteration is inconclusive. Since supporting evidence is limited at this time, the clinical significance of this alteration remains unclear.

Color Diagnostics, LLC DBA Color Health
Classification: Uncertain significance for Hereditary cancer-predisposing syndrome. Last evaluated: 2024-03-11. Review status: criteria provided, single submitter. Criteria: ACMG Guidelines, 2015. Collection method: clinical testing. Allele origin: germline.
Comment: This missense variant replaces alanine with threonine at codon 1668 of the BRCA2 protein. Computational prediction suggests that this variant may not impact protein structure and function. To our knowledge, functional studies have not been reported for this variant. This variant is reported to have a likelihood ratio for pathogenicity based on personal and family history of 0.413 (PMID: 31853058). This variant has been identified in 1/31400 chromosomes in the general population by the Genome Aggregation Database (gnomAD). The available evidence is insufficient to determine the role of this variant in disease conclusively. Therefore, this variant is classified as a Variant of Uncertain Significance.

University of Washington Department of Laboratory Medicine, University of Washington
Classification: Likely benign for Hereditary cancer-predisposing syndrome. Last evaluated: 2023-03-23. Review status: criteria provided, single submitter. Criteria: Dines et al. (Genet Med. 2020). Collection method: curation. Allele origin: germline.
Comment: Missense variant in a coldspot region where missense variants are very unlikely to be pathogenic (PMID:31911673).

BRCA2 exon 11 coldspot. Reclassification based on statistical prior probability.

Literature cited by the submitters: PubMed 31853058 (cited by Color Diagnostics, LLC DBA Color Health).